The following is an entry in ClinVar:

ClinVar aggregate classification (germline): Uncertain significance (1 of 4 stars; one submission).

Conditions:
Age related macular degeneration 4. Identifiers: MedGen C1853147, MONDO:0012540, OMIM 610698.

Submission:

Genomenon, Inc
Classification: Uncertain significance for Age related macular degeneration 4. Last evaluated: 2025-10-02. Review status: criteria provided, single submitter. Criteria: Genomenon Sequence Variant Interpretation Standards - Updated. Collection method: curation. Allele origin: germline. Affected: yes.
Comment: CFH p.Phe93Cys (c.278T>G) is a missense variant that changes the amino acid at residue 93 from Phenylalanine to Cysteine. This variant has been observed in at least one proband affected with age-related macular degeneration (PMID:29686068). It is absent or not present at a significant frequency in gnomAD. In silico models agree that this variant is possibly or probably damaging. In conclusion, we classify CFH p.Phe93Cys (c.278T>G) as a variant of uncertain significance.

Literature cited by the submitters: PubMed 29686068.

NM_000186.4(CFH):c.278T>G (p.Phe93Cys)

Gene: CFH (complement factor H; plus strand). Cytogenetic location: 1q31.3.
Variant type: single nucleotide variant.
Coding change: c.278T>G on transcript NM_000186.4 (MANE Select); coding-DNA position 278, T replaced by G.
Protein change: p.Phe93Cys; replaces phenylalanine 93 with cysteine.
Molecular consequence: missense variant.
Genome position (GRCh38, 1-based): chr1:196,673,890, T>G. VCF-style: chr1-196673890-T-G. GRCh37 (hg19) VCF-style: chr1-196643020-T-G.
Other names: c.278T>G, p.Phe93Cys (NM_001014975.3); short protein forms F93C.
Identifiers: ClinVar variation 4291594 (VCV004291594.1).